The following is an entry in ClinVar:

NM_017617.5(NOTCH1):c.6109G>T (p.Ala2037Ser)

Genes: NOTCH1 (notch receptor 1; minus strand), LOC126860794 (BRD4-independent group 4 enhancer GRCh37_chr9:139392592-139393791; plus strand). Cytogenetic location: 9q34.3.
Variant type: single nucleotide variant.
Coding change: c.6109G>T on transcript NM_017617.5 (MANE Select); coding-DNA position 6109, G replaced by T.
Protein change: p.Ala2037Ser; replaces alanine 2037 with serine.
Molecular consequence: missense variant.
Genome position (GRCh38, 1-based): chr9:136,498,970, C>A on the plus strand (G>T on the coding strand, the complement: NOTCH1 is on the minus strand). VCF-style: chr9-136498970-C-A. GRCh37 (hg19) VCF-style: chr9-139393422-C-A.
Other names: c.6109G>T, p.Ala2037Ser (LRG_1122t1); short protein forms A2037S.
Identifiers: ClinVar variation 409055 (VCV000409055.10), dbSNP rs1060502237, ClinGen allele CA16612673.

ClinVar aggregate classification (germline): Uncertain significance (1 of 4 stars; one submission).

Conditions:
Adams-Oliver syndrome 5 (AOS5). Identifiers: Orphanet 974, MedGen C4014970, MONDO:0014459, OMIM 616028.
Aortic valve disease 1 (AOVD1). Identifiers: MedGen C3887892, MONDO:0024523, OMIM 109730.

gnomAD v4.1: 1 of 1,613,550 alleles (0.000062%); highest among the groups gnomAD compares: Non-Finnish European, 0.000085%; no homozygotes.

Submission:

Labcorp Genetics (formerly Invitae), Labcorp
Classification: Uncertain significance for Adams-Oliver syndrome 5. Last evaluated: 2024-02-04. Review status: criteria provided, single submitter. Criteria: Invitae Variant Classification Sherloc (09022015). Collection method: clinical testing. Allele origin: germline.
Comment: This sequence change replaces alanine, which is neutral and non-polar, with serine, which is neutral and polar, at codon 2037 of the NOTCH1 protein (p.Ala2037Ser). This variant is not present in population databases (gnomAD no frequency). This variant has not been reported in the literature in individuals affected with NOTCH1-related conditions. ClinVar contains an entry for this variant (Variation ID: 409055). Advanced modeling of protein sequence and biophysical properties (such as structural, functional, and spatial information, amino acid conservation, physicochemical variation, residue mobility, and thermodynamic stability) performed at Invitae indicates that this missense variant is not expected to disrupt NOTCH1 protein function with a negative predictive value of 80%. In summary, the available evidence is currently insufficient to determine the role of this variant in disease. Therefore, it has been classified as a Variant of Uncertain Significance.